The following is an entry in ClinVar:

NM_207037.2(TCF12):c.706G>T (p.Asp236Tyr)

Gene: TCF12 (transcription factor 12; plus strand). Cytogenetic location: 15q21.3.
Variant type: single nucleotide variant.
Coding change: c.706G>T on transcript NM_207037.2 (MANE Select); coding-DNA position 706, G replaced by T.
Protein change: p.Asp236Tyr; replaces aspartic acid 236 with tyrosine.
Molecular consequence: missense variant. On other transcripts: intron variant (1).
Genome position (GRCh38, 1-based): chr15:57,232,311, G>T. VCF-style: chr15-57232311-G-T. GRCh37 (hg19) VCF-style: chr15-57524509-G-T.
Other names: c.196G>T, p.Asp66Tyr (NM_001306219.3, NM_207040.2); c.706G>T, p.Asp236Tyr (NM_001322151.2, NM_001322152.2, NM_001322157.3 and 7 more transcripts); c.49G>T, p.Asp17Tyr (NM_001322154.2); c.532G>T, p.Asp178Tyr (NM_001322156.2, NM_001322158.2); c.742G>T, p.Asp248Tyr (NM_001322164.2); c.118-401G>T (NM_001306220.3); short protein forms D178Y, D17Y, D236Y, D248Y, D66Y.
Identifiers: ClinVar variation 3364213 (VCV003364213.1).

ClinVar aggregate classification (germline): Uncertain significance (1 of 4 stars; one submission).

Submission:

GeneDx
Classification: Uncertain significance. Last evaluated: 2023-11-28. Review status: criteria provided, single submitter. Criteria: GeneDx Variant Classification Process June 2021. Collection method: clinical testing. Allele origin: germline. Affected: yes.
Comment: Not observed at significant frequency in large population cohorts (gnomAD); In silico analysis supports that this missense variant has a deleterious effect on protein structure/function; Has not been previously published as pathogenic or benign to our knowledge